The following is an entry in ClinVar:

NM_001614.5(ACTG1):c.7G>A (p.Glu3Lys)

Gene: ACTG1 (actin gamma 1; minus strand). Cytogenetic location: 17q25.3.
Variant type: single nucleotide variant.
Coding change: c.7G>A on transcript NM_001614.5 (MANE Select); coding-DNA position 7, G replaced by A.
Protein change: p.Glu3Lys; replaces glutamic acid 3 with lysine.
Molecular consequence: missense variant. On other transcripts: non-coding transcript variant (1).
Genome position (GRCh38, 1-based): chr17:81,512,348, C>T on the plus strand (G>A on the coding strand, the complement: ACTG1 is on the minus strand). VCF-style: chr17-81512348-C-T. GRCh37 (hg19) VCF-style: chr17-79479374-C-T.
Other names: c.7G>A, p.Glu3Lys (NM_001199954.3); short protein forms E3K.
Identifiers: ClinVar variation 5037676 (VCV005037676.1).
Genomic context (GRCh38, chr17:81,512,348, plus strand): 5'-CAGCAAAACCAGCTTTGCACATGCCGGAGCCATTGTCAATGACCAGCGCGGCGATCTCTT[C>T]TTCCATTGCGACCTGCCCGGAAAAGGATGGACTCAGGCGGGCGCGTCTGTAACACGGTCC-3'
Protein context (NP_001605.1, residues 1-13): ME[Glu3Lys]EIAALVIDNG

ClinVar aggregate classification (germline): Uncertain significance (1 of 4 stars; one submission).

Submission:

GeneDx
Classification: Uncertain significance. Last evaluated: 2026-04-23. Review status: criteria provided, single submitter. Criteria: GeneDx Variant Classification Process June 2021. Collection method: clinical testing. Allele origin: germline.
Comment: Not observed at significant frequency in large population cohorts (gnomAD); Missense variants in this gene are a common cause of disease and they are underrepresented in the general population; In silico analysis suggests that this missense variant does not alter protein structure/function; Has not been previously published as pathogenic or benign to our knowledge